The following is an entry in ClinVar:

ClinVar aggregate classification (germline): Benign/Likely benign. Review status: criteria provided, multiple submitters, no conflicts (2 of 4 stars). 11 submissions from 11 submitters: Benign (2); Likely benign (7). 2 of the submissions do not count toward it. Last evaluated 2026-09-01.

Conditions:
Hereditary cancer-predisposing syndrome. Also called: Hereditary Cancer Syndrome; Neoplastic Syndromes, Hereditary; Hereditary neoplastic syndrome; Tumor predisposition. Identifiers: Orphanet 140162, MedGen C0027672, MeSH D009386, MONDO:0015356.
Cardiovascular phenotype. Identifiers: MedGen CN230736.

Allele frequency attached by ClinVar (database versions not stated): 1000 Genomes Project 30x 0.00016; 1000 Genomes Project 0.00020; ESP Exome Variant Server 0.00077; TOPMed 0.00095; gnomAD exomes 0.00103; gnomAD 0.00108; ExAC 0.00136.
gnomAD v4.1: 2,232 of 1,612,764 alleles (0.14%); highest among the groups gnomAD compares: Non-Finnish European, 0.18%; 8 homozygotes.

Submissions (11):

CeGaT Center for Human Genetics Tuebingen
Classification: Likely benign. Last evaluated: 2026-09-01. Review status: criteria provided, single submitter. Criteria: CeGaT Center For Human Genetics Tuebingen Variant Classification Criteria Version 2. Collection method: clinical testing. Allele origin: germline. Affected: yes. Observed: 25 variant alleles.
Comment: LZTR1: BP4, BP7

Labcorp Genetics (formerly Invitae), Labcorp
Classification: Benign. Last evaluated: 2026-01-28. Review status: criteria provided, single submitter. Criteria: Invitae Variant Classification Sherloc (09022015). Collection method: clinical testing. Allele origin: germline.

ARUP Laboratories, Molecular Genetics and Genomics, ARUP Laboratories
Classification: Likely benign. Last evaluated: 2025-03-11. Review status: criteria provided, single submitter. Criteria: ARUP Molecular Germline Variant Investigation Process 2024. Collection method: clinical testing. Allele origin: germline.

Mayo Clinic Laboratories, Mayo Clinic
Classification: Likely benign. Last evaluated: 2025-02-24. Review status: criteria provided, single submitter. Criteria: ACMG Guidelines, 2015. Collection method: clinical testing. Allele origin: germline. Observed: 2 variant alleles.
Comment: BS2, BP4, BP7

Blueprint Genetics
Classification: Likely benign. Last evaluated: 2024-10-21. Review status: criteria provided, single submitter. Criteria: ACMG Guidelines, 2015. Collection method: clinical testing. Allele origin: germline.

GeneDx
Classification: Likely benign. Last evaluated: 2020-10-21. Review status: criteria provided, single submitter. Criteria: GeneDx Variant Classification Process June 2021. Collection method: clinical testing. Allele origin: germline. Affected: yes.

Ambry Genetics
Classification: Likely benign for Cardiovascular phenotype; Hereditary cancer-predisposing syndrome. Last evaluated: 2020-08-10. Review status: criteria provided, single submitter. Criteria: Ambry Variant Classification Scheme 2023. Collection method: clinical testing. Allele origin: germline.

Women's Health and Genetics/Laboratory Corporation of America, LabCorp
Classification: Benign. Last evaluated: 2017-07-11. Review status: criteria provided, single submitter. Criteria: LabCorp Variant Classification Summary - May 2015. Collection method: clinical testing. Allele origin: germline.
Comment: Variant summary: The LZTR1 c.1395G>A (p.Ala465Ala) variant involves the alteration of a non-conserved nucleotide, resulting in a synonymous change. Mutation taster predicts a damaging outcome for this variant. 3/5 splice prediction tools predict no significant impact on normal splicing. ESE finder predicts that this variant may affect ESE site of SF2/ASF. However, these predictions have yet to be confirmed by functional studies. This variant was found in 145/106468 control chromosomes (1 homozygote) from ExAC at a frequency of 0.0013619, which is approximately 272 times the estimated maximal expected allele frequency of a pathogenic LZTR1 variant (0.000005), suggesting this variant is likely a benign polymorphism. The variant of interest has not been published in literature. Taken together, this variant is classified as benign.

Breakthrough Genomics
Classification: Likely benign. Review status: criteria provided, single submitter. Criteria: ACMG Guidelines, 2015. Collection method: not provided. Allele origin: germline. Inheritance: Autosomal recessive inheritance. Affected: yes.

Clinical Genetics DNA and cytogenetics Diagnostics Lab, Erasmus MC, Erasmus Medical Center
Classification: Likely benign. Review status: no assertion criteria provided. Collection method: clinical testing. Allele origin: germline. Affected: yes. Study: VKGL Data-share Consensus. Not counted in ClinVar's aggregate classification.

Joint Genome Diagnostic Labs from Nijmegen and Maastricht, Radboudumc and MUMC+
Classification: Likely benign. Review status: no assertion criteria provided. Collection method: clinical testing. Allele origin: germline. Affected: yes. Study: VKGL Data-share Consensus. Not counted in ClinVar's aggregate classification.

NM_006767.4(LZTR1):c.1395G>A (p.Ala465=)

Gene: LZTR1 (leucine zipper like post translational regulator 1; plus strand). Cytogenetic location: 22q11.21.
Variant type: single nucleotide variant.
Coding change: c.1395G>A on transcript NM_006767.4 (MANE Select); coding-DNA position 1395, G replaced by A.
Protein change: p.Ala465=; no amino-acid change (alanine 465 retained).
Molecular consequence: synonymous variant.
Genome position (GRCh38, 1-based): chr22:20,993,965, G>A. VCF-style: chr22-20993965-G-A. GRCh37 (hg19) VCF-style: chr22-21348254-G-A.
Other names: p.Ala465=.
Identifiers: ClinVar variation 496333 (VCV000496333.81), dbSNP rs142418387, ClinGen allele CA10118871.